The following is an entry in ClinVar:

ClinVar aggregate classification (germline): Pathogenic/Likely pathogenic. Review status: criteria provided, multiple submitters, no conflicts (2 of 4 stars). 5 submissions from 5 submitters: Pathogenic (2); Likely pathogenic (2). 1 of the submissions does not count toward it. Last evaluated 2024-06-10.

Conditions:
Alport syndrome. Also called: Hemorrhagic familial nephritis; Hemorrhagic hereditary nephritis; Congenital hereditary hematuria. Identifiers: Orphanet 63, MedGen C1567741, MONDO:0018965.
Autosomal recessive Alport syndrome (ATS2). Also called: ALPORT SYNDROME 2, AUTOSOMAL RECESSIVE; Alport syndrome type 2; COL4A3-Related Nephropathy; COL4A4 Alport Syndrome and Thin Basement Membrane Nephropathy. Identifiers: Orphanet 63, Orphanet 88919, MedGen C4746745, MONDO:0008762, OMIM 203780.

Allele frequency attached by ClinVar (database versions not stated): TOPMed below 0.00001; gnomAD 0.00001.

Submissions (5):

Natera, Inc.
Classification: Likely pathogenic for Alport syndrome. Last evaluated: 2024-06-10. Review status: criteria provided, single submitter. Criteria: Natera Variant Classification Schema (03/2026). Collection method: clinical testing. Allele origin: germline.
Comment: The c.1A>C variant in COL4A3 is predicted to result in start loss due to disruption of the initiator methionine. This variant is expected to result in nonsense mediated decay, truncation, or a dysfunctional protein product. This variant is rare in the general population with a frequency below the threshold expected for the associated phenotype(s). Given the available evidence, this variant is classified as Likely Pathogenic.

Labcorp Genetics (formerly Invitae), Labcorp
Classification: Pathogenic. Last evaluated: 2024-06-03. Review status: criteria provided, single submitter. Criteria: Invitae Variant Classification Sherloc (09022015). Collection method: clinical testing. Allele origin: germline.
Comment: This sequence change affects the initiator methionine of the COL4A3 mRNA. The next in-frame methionine is located at codon 209. This variant is not present in population databases (gnomAD no frequency). Disruption of the initiator codon has been observed in individuals with autosomal recessive Alport syndrome (PMID: 12028435, 23297803, 24854265, 26809805). ClinVar contains an entry for this variant (Variation ID: 555012). For these reasons, this variant has been classified as Pathogenic.

3billion
Classification: Likely pathogenic for Autosomal recessive Alport syndrome. Last evaluated: 2022-05-22. Review status: criteria provided, single submitter. Criteria: ACMG Guidelines, 2015. Collection method: clinical testing. Allele origin: germline. Affected: yes. Observed: 1 heterozygote.
Comment: The variant is not observed in the gnomAD v2.1.1 dataset. Start-lost: reinitiation of translation may occur at a downstream alternate start codon but still result in a loss or disruption of normal protein function as there have been pathogenic variants reported upstream of the alterante start codon. The variant has been reported at least twice as pathogenic (ClinVar ID: VCV000555012). Therefore, this variant is classified as likely pathogenic according to the recommendation of ACMG/AMP guideline.

Victorian Clinical Genetics Services, Murdoch Childrens Research Institute
Classification: Pathogenic for Alport syndrome. Last evaluated: 2022-02-02. Review status: criteria provided, single submitter. Criteria: ACMG Guidelines, 2015. Collection method: clinical testing. Allele origin: germline. Affected: yes.
Comment: Based on the classification scheme VCGS_Germline_v1.3.4, this variant is classified as Pathogenic. Following criteria are met: 0103 - Dominant negative and loss of function are known mechanisms of disease in this gene and are associated with COL4A3-related nephropathy. Glycine changes that are part of a G-X-Y repeat in the triple helix of a collagen domain are known to have a dominant negative effect (PMID: 12028435). (I) 0108 - This gene is associated with both recessive (Alport syndrome 2 MIM#203780) and dominant disease (Alport syndrome 3 MIM#104200 and benign familial hematuria MIM#141200) (OMIM). (I) 0206 - Variant is predicted to result in a loss of the canonical translation initiation codon (ATG). (SP) 0251 - This variant is heterozygous. (I) 0304 - Variant is present in gnomAD (v3) <0.01 for a recessive condition (1 heterozygote, 0 homozygotes). (SP) 0702 - Other canonical translation initiation codon variants comparable to the one identified in this case have strong previous evidence for pathogenicity. Four variants affecting the canonical translation initiation codon have been observed in homozygous or compound heterozygous states in multiple individuals with autosomal recessive Alport syndrome (ClinVar, PMIDs: 12028435, 33772369, 23297803, 24854265). (SP) 0803 - This variant has limited previous evidence of pathogenicity in two unrelated individuals with zygosity unknown (ClinVar). (SP) 0905 - No published segregation evidence has been identified for this variant. (I) 1007 - No published functional evidence has been identified for this variant. (I) 1208 - Inheritance information for this variant is not currently available in this individual. (I) Legend: (SP) - Supporting pathogenic, (I) - Information, (SB) - Supporting benign

Counsyl
Classification: Likely pathogenic for Autosomal recessive Alport syndrome. Last evaluated: 2017-11-13. Review status: no assertion criteria provided. Collection method: clinical testing. Allele origin: unknown. Not counted in ClinVar's aggregate classification.

Literature cited by the submitters: PubMed 12028435 (cited by Labcorp Genetics (formerly Invitae), Labcorp and Victorian Clinical Genetics Services, Murdoch Childrens Research Institute); PubMed 23297803 (cited by Labcorp Genetics (formerly Invitae), Labcorp and Victorian Clinical Genetics Services, Murdoch Childrens Research Institute); PubMed 24854265 (cited by Labcorp Genetics (formerly Invitae), Labcorp and Victorian Clinical Genetics Services, Murdoch Childrens Research Institute); PubMed 26809805 (cited by Labcorp Genetics (formerly Invitae), Labcorp); PubMed 33772369 (cited by Victorian Clinical Genetics Services, Murdoch Childrens Research Institute).

NM_000091.5(COL4A3):c.1A>C (p.Met1Leu)

Genes: COL4A3 (collagen type IV alpha 3 chain; plus strand), LOC129935730 (ATAC-STARR-seq lymphoblastoid silent region 12397; plus strand). Cytogenetic location: 2q36.3.
Variant type: single nucleotide variant.
Coding change: c.1A>C on transcript NM_000091.5 (MANE Select); coding-DNA position 1, A replaced by C.
Protein change: p.Met1Leu; changes the start codon (methionine 1).
Molecular consequence: missense variant, initiator codon variant.
Genome position (GRCh38, 1-based): chr2:227,164,727, A>C. VCF-style: chr2-227164727-A-C. GRCh37 (hg19) VCF-style: chr2-228029443-A-C.
Other names: short protein forms M1L.
Identifiers: ClinVar variation 555012 (VCV000555012.17), dbSNP rs1396602090, ClinGen allele CA350845868.
Genomic context (GRCh38, chr2:227,164,727, plus strand): 5'-GCGGTGGCCTGAGAGCCTGAGGGTCCCCGGACTCGCCCAGGCTCTGAGCGCGCGCCCACC[A>C]TGAGCGCCCGGACCGCCCCCAGGCCGCAGGTGCTCCTGCTGCCGCTCCTGCTGGTGCTCC-3'
Protein context (NP_000082.2, residues 1-11): [Met1Leu]SARTAPRPQV